The following is an entry in ClinVar:

NM_000492.4(CFTR):c.1502C>G (p.Thr501Ser)

Genes: CFTR (CF transmembrane conductance regulator; plus strand), CFTR-AS1 (CFTR antisense RNA 1; minus strand). Cytogenetic location: 7q31.2.
Variant type: single nucleotide variant.
Coding change: c.1502C>G on transcript NM_000492.4 (MANE Select); coding-DNA position 1502, C replaced by G.
Protein change: p.Thr501Ser; replaces threonine 501 with serine.
Molecular consequence: missense variant.
Genome position (GRCh38, 1-based): chr7:117,559,573, C>G. VCF-style: chr7-117559573-C-G. GRCh37 (hg19) VCF-style: chr7-117199627-C-G.
Other names: short protein forms T501S.
Identifiers: ClinVar variation 4001813 (VCV004001813.1).

ClinVar aggregate classification (germline): Uncertain significance (1 of 4 stars; one submission).

Conditions:
Cystic fibrosis (CF). Also called: MUCOVISCIDOSIS. Identifiers: Orphanet 586, MedGen C0010674, MONDO:0009061, OMIM 219700. Disease mechanism: loss of function.

gnomAD v4.1: 2 of 1,612,166 alleles (0.00012%); highest among the groups gnomAD compares: Non-Finnish European, 0.00017%; no homozygotes.

Submission:

Ambry Genetics
Classification: Uncertain significance for Cystic fibrosis. Last evaluated: 2025-04-21. Review status: criteria provided, single submitter. Criteria: Ambry Variant Classification Scheme 2023. Collection method: clinical testing. Allele origin: germline.
Comment: The p.T501S variant (also known as c.1502C>G), located in coding exon 11 of the CFTR gene, results from a C to G substitution at nucleotide position 1502. The threonine at codon 501 is replaced by serine, an amino acid with similar properties. This amino acid position is highly conserved in available vertebrate species. In addition, this alteration is predicted to be deleterious by in silico analysis. Based on the available evidence, the clinical significance of this variant remains unclear.